The following is an entry in ClinVar:

NM_001267550.2(TTN):c.96717C>T (p.Leu32239=)

Genes: TTN (titin; minus strand), TTN-AS1 (TTN antisense RNA 1; plus strand), LOC126806421 (CDK7 strongly-dependent group 2 enhancer GRCh37_chr2:179407630-179408829; plus strand). Cytogenetic location: 2q31.2.
Variant type: single nucleotide variant.
Coding change: c.96717C>T on transcript NM_001267550.2 (MANE Select); coding-DNA position 96717, C replaced by T.
Protein change: p.Leu32239=; no amino-acid change (leucine 32239 retained).
Molecular consequence: synonymous variant.
Genome position (GRCh38, 1-based): chr2:178,543,256, G>A on the plus strand (C>T on the coding strand, the complement: TTN is on the minus strand). VCF-style: chr2-178543256-G-A. GRCh37 (hg19) VCF-style: chr2-179407983-G-A.
Other names: c.91794C>T, p.Leu30598= (NM_001256850.1); c.69522C>T, p.Leu23174= (NM_003319.4); c.89013C>T, p.Leu29671= (NM_133378.4); c.69897C>T, p.Leu23299= (NM_133432.3); c.70098C>T, p.Leu23366= (NM_133437.4).
Identifiers: ClinVar variation 1130400 (VCV001130400.34), dbSNP rs1317384618, ClinGen allele CA430241266.
Genomic context (GRCh38, chr2:178,543,256, plus strand): 5'-GACTGTGGGTTTTAAGGTGACAACCTTCATCCATCTCTCTGTGCCAGCTTTGCAGGCCTC[G>A]AGAACATATCCAGTGAGTCGGCTACCACCATCGTAGAGTGGTTTTTCCCAGGCAAGGGTA-3'
Protein context (NP_001254479.2, residues 32229-32249): DGGSRLTGYV[Leu32239=]EACKAGTERW

ClinVar aggregate classification (germline): Likely benign. Review status: criteria provided, multiple submitters, no conflicts (2 of 4 stars). 3 submissions from 3 submitters: Likely benign (3). Last evaluated 2025-01-15.

Conditions:
Cardiovascular phenotype. Identifiers: MedGen CN230736.
Dilated cardiomyopathy 1G (CMD1G). Identifiers: Orphanet 154, MedGen C1858763, MONDO:0011400, OMIM 604145.
Autosomal recessive limb-girdle muscular dystrophy type 2J (LGMDR10). Also called: MUSCULAR DYSTROPHY, LIMB-GIRDLE, AUTOSOMAL RECESSIVE 10; Limb-girdle muscular dystrophy, type 2J. Identifiers: Orphanet 140922, MedGen C1837342, MONDO:0012127, OMIM 608807.

Allele frequency attached by ClinVar (database versions not stated): gnomAD 0.00001; gnomAD exomes 0.00001; TOPMed 0.00001.
gnomAD v4.1: 14 of 1,613,564 alleles (0.00087%); highest among the groups gnomAD compares: East Asian, 0.0045%; no homozygotes.

Submissions (3):

Labcorp Genetics (formerly Invitae), Labcorp
Classification: Likely benign for Dilated cardiomyopathy 1G; Autosomal recessive limb-girdle muscular dystrophy type 2J. Last evaluated: 2025-01-15. Review status: criteria provided, single submitter. Criteria: Invitae Variant Classification Sherloc (09022015). Collection method: clinical testing. Allele origin: germline.

CeGaT Center for Human Genetics Tuebingen
Classification: Likely benign. Last evaluated: 2023-11-01. Review status: criteria provided, single submitter. Criteria: CeGaT Center For Human Genetics Tuebingen Variant Classification Criteria Version 2. Collection method: clinical testing. Allele origin: germline. Affected: yes. Observed: 2 variant alleles.
Comment: TTN: BP4, BP7

Ambry Genetics
Classification: Likely benign for Cardiovascular phenotype. Last evaluated: 2019-12-20. Review status: criteria provided, single submitter. Criteria: Ambry Variant Classification Scheme 2023. Collection method: clinical testing. Allele origin: germline.